The following is an entry in ClinVar:

ClinVar aggregate classification (germline): Pathogenic. Review status: criteria provided, multiple submitters, no conflicts (2 of 4 stars). 24 submissions from 22 submitters: Pathogenic (16). 8 of the submissions do not count toward it. Last evaluated 2026-04-07.

Conditions:
LAMB3-related disorder. Also called: LAMB3-related condition.
Amelogenesis imperfecta type 1A. Also called: AMELOGENESIS IMPERFECTA, HYPOPLASTIC TYPE IA; Amelogenesis imperfecta local hypoplastic; Amelogenesis imperfecta, hypoplastic type; Amelogenesis imperfecta, type IA. Identifiers: Orphanet 88661, MedGen C4011403, MONDO:0007094, OMIM 104530.
Junctional epidermolysis bullosa gravis of Herlitz. Also called: EPIDERMOLYSIS BULLOSA, JUNCTIONAL 1B, SEVERE; EPIDERMOLYSIS BULLOSA JUNCTIONALIS, HERLITZ TYPE; EPIDERMOLYSIS BULLOSA, JUNCTIONAL, HERLITZ-PEARSON TYPE; Herlitz-type junctional epidermolysis bullosa; JEB-HERLITZ TYPE; Epidermolysis Bullosa Letalis. Identifiers: Orphanet 79404, MedGen C0079683, MONDO:0009182, OMIM 226700.
Junctional epidermolysis bullosa, non-Herlitz type. Also called: EPIDERMOLYSIS BULLOSA, JUNCTIONAL 1A, INTERMEDIATE; COL17A1-Related Junctional Epidermolysis Bullosa; EPIDERMOLYSIS BULLOSA JUNCTIONALIS, DISENTIS TYPE; EPIDERMOLYSIS BULLOSA JUNCTIONALIS, NON-HERLITZ TYPE; EPIDERMOLYSIS BULLOSA JUNCTIONALIS, PROGRESSIVE; EPIDERMOLYSIS BULLOSA JUNCTIONALIS, SEVERE NONLETHAL. Identifiers: Orphanet 251393, Orphanet 79402, Orphanet 79405, Orphanet 89840, MedGen C0268374, MONDO:0009180, OMIM 226650.
Junctional epidermolysis bullosa. Identifiers: Orphanet 305, MedGen C0079301, MONDO:0017612.

Allele frequency attached by ClinVar (database versions not stated): gnomAD 0.00048 and 0.00049; TOPMed 0.00049; gnomAD exomes 0.00051 and 0.00070; ExAC 0.00076.
gnomAD v4.1: 1,103 of 1,614,000 alleles (0.068%); highest among the groups gnomAD compares: Non-Finnish European, 0.087%; no homozygotes.

Submissions 1 to 13 of 24:

PreventionGenetics, part of Exact Sciences
Classification: Pathogenic for LAMB3-related condition. Last evaluated: 2026-04-07. Review status: criteria provided, single submitter. Criteria: ACMG Guidelines, 2015. Collection method: clinical testing. Allele origin: germline.
Comment: The LAMB3 c.1903C>T variant is predicted to result in premature protein termination (p.Arg635*). This variant has been reported, in the homozygous or compound heterozygous state, in individuals affected with Herlitz type of junctional epidermolysis bullosa (see for example, Kivirikko et al. 1996. PubMed ID: 8824879; Pulkkinen et al. 1997. PubMed ID: 9242513; Christiano et al. 1997. PubMed ID: 9160387; Yuen et al. 2011. PubMed ID: 21801158). It is considered one of the most common causative variants for junctional epidermolysis bullosa (Varki et al. 2006. PubMed ID: 16473856). This variant is reported in 0.10% of alleles in individuals of European (Non-Finnish) descent in gnomAD, and it is interpreted as pathogenic in the ClinVar database (Variation ID: 14539). Nonsense variants in LAMB3 are expected to be pathogenic. This variant is interpreted as pathogenic.

Labcorp Genetics (formerly Invitae), Labcorp
Classification: Pathogenic. Last evaluated: 2026-01-22. Review status: criteria provided, single submitter. Criteria: Invitae Variant Classification Sherloc (09022015). Collection method: clinical testing. Allele origin: germline.
Comment: This sequence change creates a premature translational stop signal (p.Arg635*) in the LAMB3 gene. It is expected to result in an absent or disrupted protein product. Loss-of-function variants in LAMB3 are known to be pathogenic (PMID: 11023379, 16473856). This variant is present in population databases (rs80356682, gnomAD 0.1%), and has an allele count higher than expected for a pathogenic variant. This premature translational stop signal has been observed in individuals with autosomal recessive epidermolysis bullosa (PMID: 7698759, 11689492, 15311214, 15663509, 27062385, 28830826). ClinVar contains an entry for this variant (Variation ID: 14539). For these reasons, this variant has been classified as Pathogenic.

Blueprint Genetics
Classification: Pathogenic for LAMB3-related disorders. Last evaluated: 2024-09-19. Review status: criteria provided, single submitter. Criteria: ACMG Guidelines, 2015. Collection method: clinical testing. Allele origin: germline. Affected: yes. Observed: 5 variant alleles.

Fulgent Genetics
Classification: Pathogenic for Amelogenesis imperfecta type 1A; Junctional epidermolysis bullosa, non-Herlitz type; Junctional epidermolysis bullosa gravis of Herlitz. Last evaluated: 2024-04-18. Review status: criteria provided, single submitter. Criteria: ACMG Guidelines, 2015. Collection method: clinical testing. Allele origin: germline.

Baylor Genetics
Classification: Pathogenic for Junctional epidermolysis bullosa gravis of Herlitz. Last evaluated: 2022-12-01. Review status: criteria provided, single submitter. Criteria: ACMG Guidelines, 2015. Collection method: clinical testing. Allele origin: unknown.

Baylor Genetics
Classification: Pathogenic for Junctional epidermolysis bullosa, non-Herlitz type. Last evaluated: 2022-12-01. Review status: criteria provided, single submitter. Criteria: ACMG Guidelines, 2015. Collection method: clinical testing. Allele origin: unknown.

Revvity Omics, Revvity
Classification: Pathogenic. Last evaluated: 2022-11-21. Review status: criteria provided, single submitter. Criteria: ACMG Guidelines, 2015. Collection method: clinical testing. Allele origin: germline.

Institute of Human Genetics Munich, TUM University Hospital
Classification: Pathogenic for Junctional epidermolysis bullosa, non-Herlitz type. Last evaluated: 2022-06-23. Review status: criteria provided, single submitter. Criteria: Classification criteria August 2017. Collection method: clinical testing. Allele origin: maternal. Inheritance: Autosomal recessive inheritance. Affected: yes. Observed: 1 variant allele.

CeGaT Center for Human Genetics Tuebingen
Classification: Pathogenic. Last evaluated: 2021-10-01. Review status: criteria provided, single submitter. Criteria: CeGaT Center For Human Genetics Tuebingen Variant Classification Criteria Version 2. Collection method: clinical testing. Allele origin: germline. Affected: yes. Observed: 3 variant alleles.

CENTOGENE GmbH and LLC - Guiding Precision Medicine
Classification: Pathogenic for Junctional epidermolysis bullosa gravis of Herlitz. Last evaluated: 2021-04-28. Review status: criteria provided, single submitter. Criteria: ACMG Guidelines, 2015. Collection method: clinical testing. Allele origin: maternal. Affected: yes.

GeneDx
Classification: Pathogenic. Last evaluated: 2020-09-25. Review status: criteria provided, single submitter. Criteria: GeneDx Variant Classification Process June 2021. Collection method: clinical testing. Allele origin: germline. Affected: yes.
Comment: Reported in multiple individuals with junctional epidermolysis bullosa (JEB) as the single most common JEB pathogenic variant representing 40% of the disease alleles in Caucasian patients with JEB (Pulkkinen et al., 1994; Varki et al., 2006); Nonsense variant predicted to result in protein truncation or nonsense mediated decay in a gene for which loss-of-function is a known mechanism of disease; This variant is associated with the following publications: (PMID: 27062385, 11298117, 20301304, 12366701, 11689492, 25525159, 7698759, 16473856, 11451332, 25708563, 27375110, 15311214, 15663509, 26990548, 9205497, 9209887, 8824879, 28830826, 31980526, 31589614, 32484238, 33274474)

Myriad Genetics, Inc.
Classification: Pathogenic for Junctional epidermolysis bullosa gravis of Herlitz. Last evaluated: 2019-12-26. Review status: criteria provided, single submitter. Criteria: Myriad Women's Health Autosomal Recessive and X-Linked Classification Criteria (2019). Collection method: clinical testing. Allele origin: unknown.
Comment: NM_000228.2(LAMB3):c.1903C>T(R635*) is classified as pathogenic in the context of LAMB3-related Herlitz junctional epidermolysis bullosa. Sources cited for classification include the following: PMID 16473856, 17476356, 16473856, 11023379 and 8983017. Classification of NM_000228.2(LAMB3):c.1903C>T(R635*) is based on the following criteria: This is a well-established pathogenic variant in the literature that has been observed more frequently in patients with clinical diagnoses than in healthy populations. Please note: this variant was assessed in the context of healthy population screening.

Illumina Laboratory Services, Illumina
Classification: Pathogenic for Epidermolysis bullosa, junctional. Last evaluated: 2018-11-02. Review status: criteria provided, single submitter. Criteria: ICSL Variant Classification Criteria 09 May 2019. Collection method: clinical testing. Allele origin: germline.
Comment: The LAMB3 c.1903C>T (p.Arg635Ter) variant is a stop-gained variant that is predicted to result in a premature termination of the protein. The p.Arg635Ter variant occurs in a region of the gene described as a mutational hotspot (Kivirikko et al. 1996; Pulkkinen et al. 1997). Nanako et al. (2000) noted that the p.Arg635Ter variant was present in 45.4% of disease-associated LAMB3 alleles in a review of a database of junctional epidermolysis bullosa(JEB) variants. Across a selection of the available literature, the p.Arg635Ter variant has been identified in 14 probands in a homozygous state and in 20 probands in a compound heterozygous state, most often associated with the severe Herlitz phenotype (Pulkkinen et al. 1994; Kivirikko et al. 1996; Pulkkinen et al. 1997; Nakano et al. 2000; Cserhalmi-Friedman et al. 2001; Gache et al. 2001; Hauschild et al. 2001). Segregation of the variant with the disease was shown in two studies (Pulkkinen et al. 1994; Gache et al. 2001). The p.Arg635Ter variant is reported at a frequency of 0.00134 in the European (non-Finnish) population of the Exome Aggregation Consortium. Based on the collective evidence and the potential impact of stop-gained variants, the p.Arg635Ter variant is classified as pathogenic for junctional epidermolysis bullosa. This variant was observed by ICSL as part of a predisposition screen in an ostensibly healthy population.

NM_000228.3(LAMB3):c.1903C>T (p.Arg635Ter)

Gene: LAMB3 (laminin subunit beta 3; minus strand). Cytogenetic location: 1q32.2.
Variant type: single nucleotide variant.
Coding change: c.1903C>T on transcript NM_000228.3 (MANE Select); coding-DNA position 1903, C replaced by T.
Protein change: p.Arg635Ter; replaces arginine 635 with a stop codon.
Molecular consequence: nonsense.
Genome position (GRCh38, 1-based): chr1:209,625,721, G>A on the plus strand (C>T on the coding strand, the complement: LAMB3 is on the minus strand). VCF-style: chr1-209625721-G-A. GRCh37 (hg19) VCF-style: chr1-209799066-G-A.
Other names: c.1903C>T, p.Arg635Ter (NM_001017402.2, NM_001127641.1); short protein forms R635*.
Identifiers: ClinVar variation 14539 (VCV000014539.84), dbSNP rs80356682, ClinGen allele CA257272.
Genomic context (GRCh38, chr1:209,625,721, plus strand): 5'-TGGCACTGGCCACCTGAGCCACCTCCTGCTCTGTGACTGCGGGGCTGCTGAGAACTGCTC[G>A]GATCTGCTCAATCTTACTCTTTGCATCTAGGATCCGGGAGGCCAGGCCACGGTCCTCCAG-3'